The following is an entry in ClinVar:

NM_017934.7(PHIP):c.2770-3C>G

Genes: IRAK1BP1 (interleukin 1 receptor associated kinase 1 binding protein 1; plus strand), PHIP (PHIP subunit of CUL4-Ring ligase complex; minus strand). Cytogenetic location: 6q14.1.
Variant type: single nucleotide variant.
Coding change: c.2770-3C>G on transcript NM_017934.7 (MANE Select); 3 bases into the intron before coding-DNA position 2770, C replaced by G.
Molecular consequence: intron variant.
Genome position (GRCh38, 1-based): chr6:78,978,714, G>C on the plus strand (C>G on the coding strand, the complement: PHIP is on the minus strand). VCF-style: chr6-78978714-G-C. GRCh37 (hg19) VCF-style: chr6-79688431-G-C.
Identifiers: ClinVar variation 3349428 (VCV003349428.1).

ClinVar aggregate classification (germline): Uncertain significance (0 of 4 stars; one submission).

Conditions:
PHIP-related disorder. Also called: PHIP-related condition; PHIP-related disorders.

Submission:

PreventionGenetics, part of Exact Sciences
Classification: Uncertain significance for PHIP-related condition. Last evaluated: 2023-12-27. Review status: no assertion criteria provided. Collection method: clinical testing. Allele origin: germline.
Comment: The PHIP c.2770-3C>G variant is predicted to interfere with splicing. To our knowledge, this variant has not been reported in the literature or in a large population database, indicating this variant is rare. At this time, the clinical significance of this variant is uncertain due to the absence of conclusive functional and genetic evidence.